The following is an entry in ClinVar:

NM_021120.4(DLG3):c.959T>C (p.Met320Thr)

Gene: DLG3 (discs large MAGUK scaffold protein 3; plus strand). Cytogenetic location: Xq13.1.
Variant type: single nucleotide variant.
Coding change: c.959T>C on transcript NM_021120.4 (MANE Select); coding-DNA position 959, T replaced by C.
Protein change: p.Met320Thr; replaces methionine 320 with threonine.
Molecular consequence: missense variant.
Genome position (GRCh38, 1-based): chrX:70,450,757, T>C. VCF-style: chrX-70450757-T-C. GRCh37 (hg19) VCF-style: chrX-69670607-T-C.
Other names: short protein forms M320T.
Identifiers: ClinVar variation 4980588 (VCV004980588.1).

ClinVar aggregate classification (germline): Uncertain significance (1 of 4 stars; one submission).

Conditions:
DLG3-related disorder. Also called: DLG3-related condition.

gnomAD v4.1: 7 of 1,211,686 alleles (0.00058%); highest among the groups gnomAD compares: African/African-American, 0.0035%; no homozygotes.

Submission:

PreventionGenetics, part of Exact Sciences
Classification: Uncertain significance for DLG3-related condition. Last evaluated: 2025-12-03. Review status: criteria provided, single submitter. Criteria: ACMG Guidelines, 2015. Collection method: clinical testing. Allele origin: germline.
Comment: The DLG3 c.959T>C variant is predicted to result in the amino acid substitution p.Met320Thr. To our knowledge, this variant has not been reported in the literature or in a large population database, indicating this variant is rare. At this time, the clinical significance of this variant is uncertain due to the absence of conclusive functional and genetic evidence.